The following is an entry in ClinVar:

ClinVar aggregate classification (germline): Uncertain significance (1 of 4 stars; one submission).

gnomAD v4.1: 3 of 1,613,512 alleles (0.00019%); highest among the groups gnomAD compares: Non-Finnish European, 0.00025%; no homozygotes.

Submission:

GeneDx
Classification: Uncertain significance. Last evaluated: 2026-03-28. Review status: criteria provided, single submitter. Criteria: GeneDx Variant Classification Process June 2021. Collection method: clinical testing. Allele origin: germline.
Comment: Not observed at significant frequency in large population cohorts (gnomAD); In silico analysis suggests that this missense variant does not alter protein structure/function; Has not been previously published as pathogenic or benign to our knowledge

NM_001330288.2(SMARCC2):c.2978C>T (p.Pro993Leu)

Gene: SMARCC2 (SWI/SNF related BAF chromatin remodeling complex subunit C2; minus strand). Cytogenetic location: 12q13.2.
Variant type: single nucleotide variant.
Coding change: c.2978C>T on transcript NM_001330288.2 (MANE Select); coding-DNA position 2978, C replaced by T.
Protein change: p.Pro993Leu; replaces proline 993 with leucine.
Molecular consequence: missense variant.
Genome position (GRCh38, 1-based): chr12:56,165,572, G>A on the plus strand (C>T on the coding strand, the complement: SMARCC2 is on the minus strand). VCF-style: chr12-56165572-G-A. GRCh37 (hg19) VCF-style: chr12-56559356-G-A.
Other names: c.2978C>T, p.Pro993Leu (NM_001130420.3, NM_139067.4); c.2885C>T, p.Pro962Leu (NM_003075.5); short protein forms P962L, P993L.
Identifiers: ClinVar variation 5017485 (VCV005017485.1).
Genomic context (GRCh38, chr12:56,165,572, plus strand): 5'-GCGGGTGGCCCAGCAGCCCCTGTTGGGGGGATAGGCTGGGAGCCTGGGGGCAGGGCTGGT[G>A]GTGGCTGCTGCTGCTGTTGGTGCATCTGTTGGAAGTGCTGCTGCCGAGCCCTCATCTCCG-3'
Protein context (NP_001317217.1, residues 983-1003): QQMHQQQQQP[Pro993Leu]PALPPGSQPI